The following is an entry in ClinVar:

NM_177438.3(DICER1):c.5176C>T (p.Gln1726Ter)

Gene: DICER1 (dicer 1, ribonuclease III; minus strand). Cytogenetic location: 14q32.13.
Variant type: single nucleotide variant.
Coding change: c.5176C>T on transcript NM_177438.3 (MANE Select); coding-DNA position 5176, C replaced by T.
Protein change: p.Gln1726Ter; replaces glutamine 1726 with a stop codon.
Molecular consequence: nonsense.
Genome position (GRCh38, 1-based): chr14:95,094,076, G>A on the plus strand (C>T on the coding strand, the complement: DICER1 is on the minus strand). VCF-style: chr14-95094076-G-A. GRCh37 (hg19) VCF-style: chr14-95560413-G-A.
Other names: c.5176C>T (NM_177438.2); c.5176C>T, p.Gln1726Ter (NM_001195573.1, NM_001271282.3, NM_001291628.2 and 1 more transcripts); short protein forms Q1726*.
Identifiers: ClinVar variation 1456237 (VCV001456237.11), dbSNP rs2139814525, ClinGen allele CA390865277.
Genomic context (GRCh38, chr14:95,094,076, plus strand): 5'-CAAAGATGGTGTTGTTGACCAGGGCAGACCGCAGGTCTGTCAGGACCCCCGGGGAGTGCT[G>A]CCGCGGGTCTTCATAAAGGTGCTTGGTTATGAGGTAGTCCAAAATCGCATCTCCCAGGAA-3'

ClinVar aggregate classification (germline): Pathogenic (1 of 4 stars; one submission).

Conditions:
DICER1-related tumor predisposition. Also called: DICER1 syndrome; DICER1-related pleuropulmonary blastoma cancer predisposition syndrome. Identifiers: Orphanet 284343, MedGen C3839822, MONDO:0100216.

Submission:

Labcorp Genetics (formerly Invitae), Labcorp
Classification: Pathogenic for DICER1-related tumor predisposition. Last evaluated: 2020-12-14. Review status: criteria provided, single submitter. Criteria: Invitae Variant Classification Sherloc (09022015). Collection method: clinical testing. Allele origin: germline.
Comment: For these reasons, this variant has been classified as Pathogenic. Algorithms developed to predict the effect of sequence changes on RNA splicing suggest that this variant may create or strengthen a splice site, but this prediction has not been confirmed by published transcriptional studies. This variant has been observed in individual(s) with DICER1-related pleuropulmonary blastoma familial tumor predisposition syndrome (PMID: 22180160). This variant is not present in population databases (ExAC no frequency). This sequence change creates a premature translational stop signal (p.Gln1726*) in the DICER1 gene. It is expected to result in an absent or disrupted protein product. Loss-of-function variants in DICER1 are known to be pathogenic (PMID: 19556464, 21266384).

Literature cited by the submitters: PubMed 22180160 (cited by Labcorp Genetics (formerly Invitae), Labcorp); PubMed 19556464 (cited by Labcorp Genetics (formerly Invitae), Labcorp); PubMed 21266384 (cited by Labcorp Genetics (formerly Invitae), Labcorp).